The following is an entry in ClinVar:

ClinVar aggregate classification (germline): Uncertain significance (1 of 4 stars; one submission).

Conditions:
Aortic aneurysm, familial thoracic 8 (AAT8). Identifiers: MedGen C3809513, MONDO:0014187, OMIM 615436.

Allele frequency attached by ClinVar (database versions not stated): ExAC 0.00001.
gnomAD v4.1: 16 of 1,612,494 alleles (0.00099%); highest among the groups gnomAD compares: Admixed American, 0.01%; no homozygotes.

Submission:

Labcorp Genetics (formerly Invitae), Labcorp
Classification: Uncertain significance for Aortic aneurysm, familial thoracic 8. Last evaluated: 2025-03-27. Review status: criteria provided, single submitter. Criteria: Invitae Variant Classification Sherloc (09022015). Collection method: clinical testing. Allele origin: germline.
Comment: This sequence change replaces serine, which is neutral and polar, with asparagine, which is neutral and polar, at codon 396 of the PRKG1 protein (p.Ser396Asn). This variant is present in population databases (rs770212084, gnomAD 0.02%). This variant has not been reported in the literature in individuals affected with PRKG1-related conditions. ClinVar contains an entry for this variant (Variation ID: 2885759). An algorithm developed to predict the effect of missense changes on protein structure and function (PolyPhen-2) suggests that this variant is likely to be tolerated. In summary, the available evidence is currently insufficient to determine the role of this variant in disease. Therefore, it has been classified as a Variant of Uncertain Significance.

NM_006258.4(PRKG1):c.1187G>A (p.Ser396Asn)

Gene: PRKG1 (protein kinase cGMP-dependent 1; plus strand). Cytogenetic location: 10q21.1.
Variant type: single nucleotide variant.
Coding change: c.1187G>A on transcript NM_006258.4 (MANE Select); coding-DNA position 1187, G replaced by A.
Protein change: p.Ser396Asn; replaces serine 396 with asparagine.
Molecular consequence: missense variant. On other transcripts: 5 prime UTR variant (1).
Genome position (GRCh38, 1-based): chr10:52,271,363, G>A. VCF-style: chr10-52271363-G-A. GRCh37 (hg19) VCF-style: chr10-54031123-G-A.
Other names: c.1142G>A, p.Ser381Asn (NM_001098512.3); c.-23G>A (NM_001374781.1); short protein forms S381N, S396N.
Identifiers: ClinVar variation 2885759 (VCV002885759.3), dbSNP rs770212084, ClinGen allele CA5503793.